The following is an entry in ClinVar:

ClinVar aggregate classification (germline): Benign/Likely benign. Review status: criteria provided, multiple submitters, no conflicts (2 of 4 stars). 7 submissions from 7 submitters: Benign (6); Likely benign (1). Last evaluated 2026-02-04.

Conditions:
Neuronopathy, distal hereditary motor, autosomal recessive 4. Also called: Autosomal recessive lower motor neuron disease with childhood onset; NEUROPATHY, DISTAL HEREDITARY MOTOR, AUTOSOMAL RECESSIVE 4. Identifiers: Orphanet 206580, MedGen C1970211, MONDO:0012608, OMIM 611067.
Charcot-Marie-Tooth disease recessive intermediate C. Also called: CHARCOT-MARIE-TOOTH NEUROPATHY, RECESSIVE INTERMEDIATE C. Identifiers: Orphanet 369867, MedGen C3809309, MONDO:0014154, OMIM 615376.

Allele frequency attached by ClinVar (database versions not stated): gnomAD exomes 0.05040; ExAC 0.05353; 1000 Genomes Project 0.05571; gnomAD 0.05689 and 0.05741; 1000 Genomes Project 30x 0.05762; TOPMed 0.05984; ESP Exome Variant Server 0.06261.
gnomAD v4.1: 90,128 of 1,612,618 alleles (5.6%); highest among the groups gnomAD compares: Middle Eastern, 8.5%; 2,660 homozygotes.

Submissions (7):

Labcorp Genetics (formerly Invitae), Labcorp
Classification: Benign for Neuronopathy, distal hereditary motor, autosomal recessive 4; Charcot-Marie-Tooth disease recessive intermediate C. Last evaluated: 2026-02-04. Review status: criteria provided, single submitter. Criteria: Invitae Variant Classification Sherloc (09022015). Collection method: clinical testing. Allele origin: germline.

Blueprint Genetics
Classification: Likely benign. Last evaluated: 2024-11-26. Review status: criteria provided, single submitter. Criteria: ACMG Guidelines, 2015. Collection method: clinical testing. Allele origin: germline.

Illumina Laboratory Services, Illumina
Classification: Benign for Neuronopathy, distal hereditary motor, autosomal recessive 4. Last evaluated: 2018-01-13. Review status: criteria provided, single submitter. Criteria: ICSL Variant Classification Criteria 13 December 2019. Collection method: clinical testing. Allele origin: germline.
Comment: This variant was observed in the ICSL laboratory as part of a predisposition screen in an ostensibly healthy population. It had not been previously curated by ICSL or reported in the Human Gene Mutation Database (HGMD: prior to June 1st, 2018), and was therefore a candidate for classification through an automated scoring system. Utilizing variant allele frequency, disease prevalence and penetrance estimates, and inheritance mode, an automated score was calculated to assess if this variant is too frequent to cause the disease. Based on the score and internal cut-off values, a variant classified as benign is not then subjected to further curation. The score for this variant resulted in a classification of benign for this disease.

Mayo Clinic Laboratories, Mayo Clinic
Classification: Benign. Last evaluated: 2016-04-08. Review status: criteria provided, single submitter. Criteria: ACMG Guidelines, 2015. Collection method: clinical testing. Allele origin: germline. Observed: 264 variant alleles.

Eurofins Ntd Llc (ga)
Classification: Benign. Last evaluated: 2016-01-08. Review status: criteria provided, single submitter. Criteria: EGL Classification Definitions 2015. Collection method: clinical testing. Allele origin: germline. Observed: 12 variant alleles, 12 heterozygotes.

GeneDx
Classification: Benign. Last evaluated: 2015-03-03. Review status: criteria provided, single submitter. Criteria: GeneDx Variant Classification Process June 2021. Collection method: clinical testing. Allele origin: germline. Affected: yes.

Breakthrough Genomics
Classification: Benign. Review status: criteria provided, single submitter. Criteria: ACMG Guidelines, 2015. Collection method: not provided. Allele origin: germline. Inheritance: Autosomal recessive inheritance. Affected: yes.

NM_020631.6(PLEKHG5):c.2307G>A (p.Thr769=)

Gene: PLEKHG5 (pleckstrin homology and RhoGEF domain containing G5; minus strand). Cytogenetic location: 1p36.31.
Variant type: single nucleotide variant.
Coding change: c.2307G>A on transcript NM_020631.6 (MANE Select); coding-DNA position 2307, G replaced by A.
Protein change: p.Thr769=; no amino-acid change (threonine 769 retained).
Molecular consequence: synonymous variant.
Genome position (GRCh38, 1-based): chr1:6,468,529, C>T on the plus strand (G>A on the coding strand, the complement: PLEKHG5 is on the minus strand). VCF-style: chr1-6468529-C-T. GRCh37 (hg19) VCF-style: chr1-6528589-C-T.
Other names: p.Thr769=; c.2418G>A, p.Thr806= (NM_001042663.3, NM_001265592.2); c.2307G>A, p.Thr769= (NM_001042664.2, NM_001042665.2, NM_001265594.3 and 1 more transcripts); c.2514G>A, p.Thr838= (NM_001265593.2); c.2307G>A (NM_020631.5).
Identifiers: ClinVar variation 285568 (VCV000285568.21), dbSNP rs3138150, ClinGen allele CA561188.